The following is an entry in ClinVar:

NM_000234.3(LIG1):c.324C>T (p.Thr108=)

Gene: LIG1 (DNA ligase 1; minus strand). Cytogenetic location: 19q13.33.
Variant type: single nucleotide variant.
Coding change: c.324C>T on transcript NM_000234.3 (MANE Select); coding-DNA position 324, C replaced by T.
Protein change: p.Thr108=; no amino-acid change (threonine 108 retained).
Molecular consequence: synonymous variant. On other transcripts: non-coding transcript variant (6).
Genome position (GRCh38, 1-based): chr19:48,157,060, G>A on the plus strand (C>T on the coding strand, the complement: LIG1 is on the minus strand). VCF-style: chr19-48157060-G-A. GRCh37 (hg19) VCF-style: chr19-48660317-G-A.
Other names: c.234C>T, p.Thr78= (NM_001289063.2, NM_001320971.2); c.324C>T, p.Thr108= (NM_001289064.2, NM_001320970.2); c.324C>T (NM_000234.2).
Identifiers: ClinVar variation 1458485 (VCV001458485.11), dbSNP rs116928757, ClinGen allele CA9547354.

ClinVar aggregate classification (germline): Likely benign. Review status: criteria provided, multiple submitters, no conflicts (2 of 4 stars). 3 submissions from 3 submitters: Likely benign (2). 1 of the submissions does not count toward it. Last evaluated 2026-01-24.

Conditions:
LIG1-related disorder. Also called: LIG1-related condition.

Allele frequency attached by ClinVar (database versions not stated): gnomAD exomes 0.00051; ExAC 0.00054; 1000 Genomes Project 0.00060; 1000 Genomes Project 30x 0.00062; TOPMed 0.00076; ESP Exome Variant Server 0.00085.
gnomAD v4.1: 1,392 of 1,613,288 alleles (0.086%); highest among the groups gnomAD compares: Non-Finnish European, 0.11%; no homozygotes.

Submissions (3):

Labcorp Genetics (formerly Invitae), Labcorp
Classification: Likely benign. Last evaluated: 2026-01-24. Review status: criteria provided, single submitter. Criteria: Invitae Variant Classification Sherloc (09022015). Collection method: clinical testing. Allele origin: germline.

Blueprint Genetics
Classification: Likely benign. Last evaluated: 2024-09-06. Review status: criteria provided, single submitter. Criteria: ACMG Guidelines, 2015. Collection method: clinical testing. Allele origin: germline.

PreventionGenetics, part of Exact Sciences
Classification: Likely benign for LIG1-related condition. Last evaluated: 2023-12-06. Review status: no assertion criteria provided. Collection method: clinical testing. Allele origin: germline. Not counted in ClinVar's aggregate classification.
Comment: This variant is classified as likely benign based on ACMG/AMP sequence variant interpretation guidelines (Richards et al. 2015 PMID: 25741868, with internal and published modifications).